The following is an entry in ClinVar:

ClinVar aggregate classification (germline): Likely pathogenic (1 of 4 stars; one submission).

Conditions:
Nemaline myopathy 2 (NEM2). Also called: Nemaline myopathy 2, autosomal recessive. Identifiers: MedGen C1850569, MONDO:0009725, OMIM 256030.

Submission:

Myriad Genetics, Inc.
Classification: Likely pathogenic for Nemaline myopathy 2. Last evaluated: 2021-12-09. Review status: criteria provided, single submitter. Criteria: Myriad Women's Health Autosomal Recessive and X-Linked Classification Criteria (2021). Collection method: clinical testing. Allele origin: unknown.
Comment: NM_001271208.1(NEB):c.25263_25264delTC(Q8422Afs*19) is expected to be pathogenic in the context of NEB-related nemaline myopathy. This variant is predicted to lead to an abnormal or absent protein product due to the creation of a premature termination codon in NEB, a gene where loss-of-function variants are known to be pathogenic. Please note: this variant was assessed in the context of healthy population screening.

NM_001164508.2(NEB):c.25158_25159del (p.Gln8387fs)

Genes: NEB (nebulin; minus strand), RIF1 (replication timing regulatory factor 1; plus strand). Cytogenetic location: 2q23.3.
Variant type: Deletion.
Coding change: c.25158_25159del on transcript NM_001164508.2 (MANE Select); coding-DNA positions 25158 to 25159, 2 bases deleted (TC; older notation c.25158_25159delTC).
Protein change: p.Gln8387fs; shifts the reading frame from glutamine 8387.
Molecular consequence: frameshift variant.
Genome position (GRCh38, 1-based): chr2:151,490,510-151,490,511, GA deleted on the plus strand (TC on the coding strand, the reverse complement: NEB is on the minus strand); deleting any 2 consecutive bases within chr2:151,490,510-151,490,512 gives the same sequence; the c. name uses the placement nearest the transcript's 3' end. VCF-style (leftmost placement, unchanged base first): chr2-151490509-TGA-T. GRCh37 (hg19) VCF-style: chr2-152347023-TGA-T.
Other names: c.25158_25159del, p.Gln8387fs (NM_001164507.2); c.25263_25264del, p.Gln8422fs (NM_001271208.2); c.19590_19591del, p.Gln6531fs (NM_004543.5); short protein forms Q6531fs, Q8387fs, Q8422fs.
Identifiers: ClinVar variation 1726255 (VCV001726255.2), dbSNP rs2551671834, ClinGen allele CA2580063913.